The following is an entry in ClinVar:

ClinVar aggregate classification (germline): Uncertain significance (1 of 4 stars; one submission).

Allele frequency attached by ClinVar (database versions not stated): gnomAD 0.00001.
gnomAD v4.1: 5 of 1,582,338 alleles (0.00032%); highest among the groups gnomAD compares: Admixed American, 0.0037%; no homozygotes.

Submission:

Labcorp Genetics (formerly Invitae), Labcorp
Classification: Uncertain significance. Last evaluated: 2022-09-01. Review status: criteria provided, single submitter. Criteria: Invitae Variant Classification Sherloc (09022015). Collection method: clinical testing. Allele origin: germline.
Comment: This sequence change falls in intron 6 of the SCLT1 gene. It does not directly change the encoded amino acid sequence of the SCLT1 protein. This variant is not present in population databases (gnomAD no frequency). This variant has not been reported in the literature in individuals affected with SCLT1-related conditions. Algorithms developed to predict the effect of sequence changes on RNA splicing suggest that this variant may create or strengthen a splice site. In summary, the available evidence is currently insufficient to determine the role of this variant in disease. Therefore, it has been classified as a Variant of Uncertain Significance.

NM_144643.4(SCLT1):c.427-14A>G

Gene: SCLT1 (sodium channel and clathrin linker 1; minus strand). Cytogenetic location: 4q28.2.
Variant type: single nucleotide variant.
Coding change: c.427-14A>G on transcript NM_144643.4 (MANE Select); 14 bases into the intron before coding-DNA position 427, A replaced by G.
Molecular consequence: intron variant.
Genome position (GRCh38, 1-based): chr4:128,999,808, T>C on the plus strand (A>G on the coding strand, the complement: SCLT1 is on the minus strand). VCF-style: chr4-128999808-T-C. GRCh37 (hg19) VCF-style: chr4-129920963-T-C.
Identifiers: ClinVar variation 1935181 (VCV001935181.4), dbSNP rs1288911176, ClinGen allele CA1067930976.